The following is an entry in ClinVar:

ClinVar aggregate classification (germline): Uncertain significance (1 of 4 stars; one submission).

gnomAD v4.1: 1 of 1,552,128 alleles (0.000064%); highest among the groups gnomAD compares: Admixed American, 0.002%; no homozygotes.

Submission:

Labcorp Genetics (formerly Invitae), Labcorp
Classification: Uncertain significance. Last evaluated: 2025-11-01. Review status: criteria provided, single submitter. Criteria: Invitae Variant Classification Sherloc (09022015). Collection method: clinical testing. Allele origin: germline.
Comment: This sequence change replaces methionine, which is neutral and non-polar, with valine, which is neutral and non-polar, at codon 606 of the ZSWIM6 protein (p.Met606Val). This variant is not present in population databases (gnomAD no frequency). This variant has not been reported in the literature in individuals affected with ZSWIM6-related conditions. An algorithm developed to predict the effect of missense changes on protein structure and function outputs the following: PolyPhen-2: "Benign". The valine amino acid residue is found in multiple mammalian species, which suggests that this missense change does not adversely affect protein function. In summary, the available evidence is currently insufficient to determine the role of this variant in disease. Therefore, it has been classified as a Variant of Uncertain Significance.

NM_020928.2(ZSWIM6):c.1816A>G (p.Met606Val)

Gene: ZSWIM6 (zinc finger SWIM-type containing 6; plus strand). Cytogenetic location: 5q12.1.
Variant type: single nucleotide variant.
Coding change: c.1816A>G on transcript NM_020928.2 (MANE Select); coding-DNA position 1816, A replaced by G.
Protein change: p.Met606Val; replaces methionine 606 with valine.
Molecular consequence: missense variant.
Genome position (GRCh38, 1-based): chr5:61,526,375, A>G. VCF-style: chr5-61526375-A-G. GRCh37 (hg19) VCF-style: chr5-60822202-A-G.
Other names: short protein forms M606V.
Identifiers: ClinVar variation 4693102 (VCV004693102.1).
Genomic context (GRCh38, chr5:61,526,375, plus strand): 5'-CTGAGACTAGCAATAGCTATTGTTAATACATTAAGACGACAGCAGCAGAAACAGTTGGAA[A>G]TGTTCCGAACCCAAAAAAAAGGTGAATGTGAAGGAGTTTGTTTCCATTGGAATGGGATTC-3'
Protein context (NP_065979.1, residues 596-616): LRRQQQKQLE[Met606Val]FRTQKKELPH